The following is an entry in ClinVar:

ClinVar aggregate classification (germline): Conflicting classifications of pathogenicity. Review status: criteria provided, conflicting classifications (1 of 4 stars). 2 submissions from 2 submitters: Uncertain significance (1); Likely benign (1). Last evaluated 2025-03-11.

Conditions:
Inborn genetic diseases. Identifiers: MedGen C0950123, MeSH D030342.

Allele frequency attached by ClinVar (database versions not stated): TOPMed 0.00001; ExAC 0.00002; gnomAD 0.00002; gnomAD exomes 0.00003 and 0.00004; ESP Exome Variant Server 0.00015.
gnomAD v4.1: 46 of 1,613,678 alleles (0.0029%); highest among the groups gnomAD compares: Middle Eastern, 0.082%; 1 homozygote.

Submissions (2):

Labcorp Genetics (formerly Invitae), Labcorp
Classification: Uncertain significance. Last evaluated: 2025-03-11. Review status: criteria provided, single submitter. Criteria: Invitae Variant Classification Sherloc (09022015). Collection method: clinical testing. Allele origin: germline.
Comment: This sequence change replaces glycine, which is neutral and non-polar, with glutamic acid, which is acidic and polar, at codon 942 of the KMT2A protein (p.Gly942Glu). This variant is present in population databases (rs144235455, gnomAD 0.02%). This variant has not been reported in the literature in individuals affected with KMT2A-related conditions. ClinVar contains an entry for this variant (Variation ID: 1421853). Invitae Evidence Modeling of protein sequence and biophysical properties (such as structural, functional, and spatial information, amino acid conservation, physicochemical variation, residue mobility, and thermodynamic stability) indicates that this missense variant is not expected to disrupt KMT2A protein function with a negative predictive value of 95%. In summary, the available evidence is currently insufficient to determine the role of this variant in disease. Therefore, it has been classified as a Variant of Uncertain Significance.

Ambry Genetics
Classification: Likely benign for Inborn genetic diseases. Last evaluated: 2022-12-19. Review status: criteria provided, single submitter. Criteria: Ambry Variant Classification Scheme 2023. Collection method: clinical testing. Allele origin: germline.

NM_001197104.2(KMT2A):c.2825G>A (p.Gly942Glu)

Gene: KMT2A (lysine methyltransferase 2A; plus strand). Cytogenetic location: 11q23.3.
Variant type: single nucleotide variant.
Coding change: c.2825G>A on transcript NM_001197104.2 (MANE Select); coding-DNA position 2825, G replaced by A.
Protein change: p.Gly942Glu; replaces glycine 942 with glutamic acid.
Molecular consequence: missense variant.
Genome position (GRCh38, 1-based): chr11:118,473,984, G>A. VCF-style: chr11-118473984-G-A. GRCh37 (hg19) VCF-style: chr11-118344699-G-A.
Other names: c.2825G>A, p.Gly942Glu (NM_005933.4); c.2825G>A (NM_001197104.1); short protein forms G942E.
Identifiers: ClinVar variation 1421853 (VCV001421853.7), dbSNP rs144235455, ClinGen allele CA6303566.